The following is an entry in ClinVar:

ClinVar aggregate classification (germline): Uncertain significance (1 of 4 stars; one submission).

Allele frequency attached by ClinVar (database versions not stated): gnomAD exomes below 0.00001.
gnomAD v4.1: 7 of 1,614,224 alleles (0.00043%); highest among the groups gnomAD compares: East Asian, 0.0022%; no homozygotes.

Submission:

Labcorp Genetics (formerly Invitae), Labcorp
Classification: Uncertain significance. Last evaluated: 2023-10-14. Review status: criteria provided, single submitter. Criteria: Invitae Variant Classification Sherloc (09022015). Collection method: clinical testing. Allele origin: germline.
Comment: This sequence change replaces glycine, which is neutral and non-polar, with arginine, which is basic and polar, at codon 20 of the FGF9 protein (p.Gly20Arg). This variant is not present in population databases (gnomAD no frequency). This variant has not been reported in the literature in individuals affected with FGF9-related conditions. An algorithm developed to predict the effect of missense changes on protein structure and function (PolyPhen-2) suggests that this variant is likely to be tolerated. In summary, the available evidence is currently insufficient to determine the role of this variant in disease. Therefore, it has been classified as a Variant of Uncertain Significance.

NM_002010.3(FGF9):c.58G>C (p.Gly20Arg)

Gene: FGF9 (fibroblast growth factor 9; plus strand). Cytogenetic location: 13q12.11.
Variant type: single nucleotide variant.
Coding change: c.58G>C on transcript NM_002010.3 (MANE Select); coding-DNA position 58, G replaced by C.
Protein change: p.Gly20Arg; replaces glycine 20 with arginine.
Molecular consequence: missense variant.
Genome position (GRCh38, 1-based): chr13:21,671,970, G>C. VCF-style: chr13-21671970-G-C. GRCh37 (hg19) VCF-style: chr13-22246109-G-C.
Other names: short protein forms G20R.
Identifiers: ClinVar variation 2768418 (VCV002768418.3), dbSNP rs1871779016, ClinGen allele CA387673839.